The following is an entry in ClinVar:

ClinVar aggregate classification (germline): Uncertain significance (1 of 4 stars; one submission).

Conditions:
Ciliary dyskinesia, primary, 43. Also called: CILIARY DYSKINESIA, PRIMARY, 43, WITH OR WITHOUT SITUS INVERSUS. Identifiers: MedGen C5231466, MONDO:0032874, OMIM 618699.

Submission:

Neuberg Centre For Genomic Medicine, NCGM
Classification: Uncertain significance for Ciliary dyskinesia, primary, 43. Last evaluated: 2023-06-22. Review status: criteria provided, single submitter. Criteria: ACMG Guidelines, 2015. Collection method: clinical testing. Allele origin: germline. Inheritance: Autosomal dominant inheritance. Affected: yes.
Comment: The missense c.1237G>T p.Asp413Tyr variant in the FOXJ1 gene has not been reported previously as a pathogenic variant nor as a benign variant, to our knowledge. This variant is absent in the gnomAD Exomes. The amino acid Aspartic acid at position 413 is changed to a Tyrosine changing protein sequence and it might alter its composition and physico-chemical properties. Multiple lines of computational evidence Polyphen - Damaging, SIFT – Damaging and MutationTaster - Disease causing predict a damaging effect on protein structure and function for this variant. The amino acid Aspartic acid in FOXJ1 is predicted as conserved by GERP++ and PhyloP across 100 vertebrates. For these reasons, this variant has been classified as Uncertain Significance.

NM_001454.4(FOXJ1):c.1237G>T (p.Asp413Tyr)

Gene: FOXJ1 (forkhead box J1; minus strand). Cytogenetic location: 17q25.1.
Variant type: single nucleotide variant.
Coding change: c.1237G>T on transcript NM_001454.4 (MANE Select); coding-DNA position 1237, G replaced by T.
Protein change: p.Asp413Tyr; replaces aspartic acid 413 with tyrosine.
Molecular consequence: missense variant.
Genome position (GRCh38, 1-based): chr17:76,137,382, C>A on the plus strand (G>T on the coding strand, the complement: FOXJ1 is on the minus strand). VCF-style: chr17-76137382-C-A. GRCh37 (hg19) VCF-style: chr17-74133463-C-A.
Other names: short protein forms D413Y.
Identifiers: ClinVar variation 3391396 (VCV003391396.1).